The following is an entry in ClinVar:

NM_000535.7(PMS2):c.2269G>A (p.Glu757Lys)

Gene: PMS2 (PMS1 homolog 2, mismatch repair system component; minus strand). Cytogenetic location: 7p22.1.
Variant type: single nucleotide variant.
Coding change: c.2269G>A on transcript NM_000535.7 (MANE Select); coding-DNA position 2269, G replaced by A.
Protein change: p.Glu757Lys; replaces glutamic acid 757 with lysine.
Molecular consequence: missense variant. On other transcripts: non-coding transcript variant (1), intron variant (2).
Genome position (GRCh38, 1-based): chr7:5,978,602, C>T on the plus strand (G>A on the coding strand, the complement: PMS2 is on the minus strand). VCF-style: chr7-5978602-C-T. GRCh37 (hg19) VCF-style: chr7-6018233-C-T.
Other names: c.1696G>A, p.Glu566Lys (NM_001322013.2, NM_001406908.1, NM_001406909.1); c.2269G>A, p.Glu757Lys (NM_001322014.2); c.1960G>A, p.Glu654Lys (NM_001322015.2, NM_001406875.1, NM_001406877.1 and 5 more transcripts); c.2455G>A, p.Glu819Lys (NM_001406866.1); c.2293G>A, p.Glu765Lys (NM_001406868.1); c.2161G>A, p.Glu721Lys (NM_001406869.1); c.2113G>A, p.Glu705Lys (NM_001406870.1, NM_001322006.2); c.2101G>A, p.Glu701Lys (NM_001406872.1, NM_001406874.1); and 16 more; short protein forms E649K, E691K, E819K, E356K, E570K, E645K, E757K, E599K.
Identifiers: ClinVar variation 3935134 (VCV003935134.1).

ClinVar aggregate classification (germline): Uncertain significance (1 of 4 stars; one submission).

Conditions:
Hereditary cancer-predisposing syndrome. Also called: Tumor predisposition; Hereditary neoplastic syndrome; Hereditary Cancer Syndrome; Neoplastic Syndromes, Hereditary. Identifiers: Orphanet 140162, MedGen C0027672, MeSH D009386, MONDO:0015356.

Submission:

Ambry Genetics
Classification: Uncertain significance for Hereditary cancer-predisposing syndrome. Last evaluated: 2025-05-02. Review status: criteria provided, single submitter. Criteria: Ambry Variant Classification Scheme 2023. Collection method: clinical testing. Allele origin: germline.
Comment: The p.E757K variant (also known as c.2269G>A), located in coding exon 13 of the PMS2 gene, results from a G to A substitution at nucleotide position 2269. The glutamic acid at codon 757 is replaced by lysine, an amino acid with similar properties. This amino acid position is conserved. In addition, the in silico prediction for this alteration is inconclusive. Based on the available evidence, the clinical significance of this variant remains unclear.